The following is an entry in ClinVar:

NM_000179.3(MSH6):c.34C>A (p.Pro12Thr)

Gene: MSH6 (mutS homolog 6; plus strand). Cytogenetic location: 2p16.3.
Variant type: single nucleotide variant.
Coding change: c.34C>A on transcript NM_000179.3 (MANE Select); coding-DNA position 34, C replaced by A.
Protein change: p.Pro12Thr; replaces proline 12 with threonine.
Molecular consequence: missense variant. On other transcripts: 5 prime UTR variant (1).
Genome position (GRCh38, 1-based): chr2:47,783,267, C>A. VCF-style: chr2-47783267-C-A. GRCh37 (hg19) VCF-style: chr2-48010406-C-A.
Other names: c.34C>A, p.Pro12Thr (NM_001281492.2); c.-703C>A (NM_001281493.2); short protein forms P12T.
Identifiers: ClinVar variation 141885 (VCV000141885.52), dbSNP rs587782084, ClinGen allele CA013137.
Genomic context (GRCh38, chr2:47,783,267, plus strand): 5'-AACGGTTGGGCCTTGCCGGCTGTCGGTATGTCGCGACAGAGCACCCTGTACAGCTTCTTC[C>A]CCAAGTCTCCGGCGCTGAGTGATGCCAACAAGGCCTCGGCCAGGGCCTCACGCGAAGGCG-3'
Protein context (NP_000170.1, residues 2-22): SRQSTLYSFF[Pro12Thr]KSPALSDANK

ClinVar aggregate classification (germline): Conflicting classifications of pathogenicity. Review status: criteria provided, conflicting classifications (1 of 4 stars). 13 submissions from 13 submitters: Uncertain significance (12); Likely benign (1). Last evaluated 2026-09-10.

Conditions:
Hereditary nonpolyposis colorectal neoplasms. Identifiers: MedGen C0009405, MeSH D003123.
Hereditary cancer-predisposing syndrome. Also called: Hereditary neoplastic syndrome; Neoplastic Syndromes, Hereditary; Tumor predisposition; Hereditary Cancer Syndrome. Identifiers: Orphanet 140162, MedGen C0027672, MeSH D009386, MONDO:0015356.
Lynch syndrome. Identifiers: Orphanet 144, MedGen C4552100, MONDO:0005835. Disease mechanism: loss of function.
Lynch syndrome 5 (LYNCH5). Also called: Colorectal cancer, hereditary nonpolyposis, type 5; Hereditary non-polyposis colorectal cancer, type 5. Identifiers: Orphanet 144, MedGen C1833477, MONDO:0013710, OMIM 614350. Disease mechanism: loss of function.
Endometrial carcinoma. Also called: Endometrial carcinoma, somatic. Identifiers: MedGen C0476089, MONDO:0002447, OMIM 608089, HP:0012114.

gnomAD v4.1: 4 of 1,612,232 alleles (0.00025%); highest among the groups gnomAD compares: Non-Finnish European, 0.00034%; no homozygotes.

Submissions (13):

Hema, HEMA – Genetic and Molecular Diagnostic Laboratory
Classification: Uncertain significance for Lynch syndrome. Last evaluated: 2026-09-10. Review status: criteria provided, single submitter. Criteria: HEMA Variant Classification Assertion Criteria. Collection method: clinical testing. Allele origin: germline.
Comment: The c.34C>A p.(Pro12Thr) variant is a transversion from cytosine to adenine, resulting in the substitution of proline 12 with threonine in the MSH6 protein. PM2_Supporting: Present at very low frequency in the gnomAD v4.1.1 database. BP4: The prior probability of pathogenicity score MAPP/PP2 is 0.0005 (< 0.11).

Labcorp Genetics (formerly Invitae), Labcorp
Classification: Likely benign for Hereditary nonpolyposis colorectal neoplasms. Last evaluated: 2025-10-01. Review status: criteria provided, single submitter. Criteria: Invitae Variant Classification Sherloc (09022015). Collection method: clinical testing. Allele origin: germline.

Dasa
Classification: Uncertain significance. Last evaluated: 2025-09-10. Review status: criteria provided, single submitter. Criteria: DASA Assertion Criteria. Collection method: clinical testing. Allele origin: germline.
Comment: NM_000179.3(MSH6):c.34C>A (p.Pro12Thr) is a missense variant that results in the substitution of proline with threonine. This variant is rare in population databases. Computational prediction algorithms are consistent with a benign effect. The currently available literature and clinical evidence are not sufficient to establish a definitive association between this variant and the reported condition. Therefore, this variant is classified as a variant of uncertain significance.

Ambry Genetics
Classification: Uncertain significance for Hereditary cancer-predisposing syndrome. Last evaluated: 2025-06-26. Review status: criteria provided, single submitter. Criteria: Ambry Variant Classification Scheme 2023. Collection method: clinical testing. Allele origin: germline.
Comment: The p.P12T variant (also known as c.34C>A), located in coding exon 1 of the MSH6 gene, results from a C to A substitution at nucleotide position 34. The proline at codon 12 is replaced by threonine, an amino acid with highly similar properties. This amino acid position is well conserved in available vertebrate species. In addition, the in silico prediction for this alteration is inconclusive. Since supporting evidence is limited at this time, the clinical significance of this alteration remains unclear.

CeGaT Center for Human Genetics Tuebingen
Classification: Uncertain significance. Last evaluated: 2024-11-01. Review status: criteria provided, single submitter. Criteria: CeGaT Center For Human Genetics Tuebingen Variant Classification Criteria Version 2. Collection method: clinical testing. Allele origin: germline. Affected: yes. Observed: 1 variant allele.
Comment: MSH6: PM2, PS4:Moderate

All of Us Research Program, National Institutes of Health
Classification: Uncertain significance for Lynch syndrome. Last evaluated: 2024-09-23. Review status: criteria provided, single submitter. Criteria: ACMG Guidelines, 2015. Collection method: clinical testing. Allele origin: germline. Inheritance: Autosomal dominant inheritance. Observed: 7 variant alleles, 7 heterozygotes.
Comment: This missense variant replaces proline with threonine at codon 12 of the MSH6 protein. Computational prediction suggests that this variant may not impact protein structure and function (internally defined REVEL score threshold <= 0.5, PMID: 27666373). To our knowledge, functional studies have not been reported for this variant. This variant has not been reported in individuals affected with MSH6-related disorders in the literature. This variant has been reported in individuals affected with breast cancer (PMID: 35264596, 38060977). This variant has been identified in 2/245160 chromosomes in the general population by the Genome Aggregation Database (gnomAD). The available evidence is insufficient to determine the role of this variant in disease conclusively. Therefore, this variant is classified as a Variant of Uncertain Significance.

This study involves interpretation of variants in research participants for the purpose of population health screening. Participant phenotype was not available at the time of variant classification. Additional details can be found in publication PMID: 35346344, PMCID: PMC8962531

GeneDx
Classification: Uncertain significance. Last evaluated: 2024-05-17. Review status: criteria provided, single submitter. Criteria: GeneDx Variant Classification Process June 2021. Collection method: clinical testing. Allele origin: germline. Affected: yes.
Comment: Not observed at significant frequency in large population cohorts (gnomAD); In silico analysis indicates that this missense variant does not alter protein structure/function; Observed in individuals with breast cancer (PMID: 35264596); This variant is associated with the following publications: (PMID: 35264596)

Color Diagnostics, LLC DBA Color Health
Classification: Uncertain significance for Hereditary cancer-predisposing syndrome. Last evaluated: 2024-01-29. Review status: criteria provided, single submitter. Criteria: ACMG Guidelines, 2015. Collection method: clinical testing. Allele origin: germline.
Comment: This missense variant replaces proline with threonine at codon 12 of the MSH6 protein. Computational prediction suggests that this variant may not impact protein structure and function (internally defined REVEL score threshold <= 0.5, PMID: 27666373). To our knowledge, functional studies have not been reported for this variant. This variant has not been reported in individuals affected with MSH6-related disorders in the literature. This variant has been reported in individuals affected with breast cancer (PMID: 35264596, 38060977). This variant has been identified in 2/245160 chromosomes in the general population by the Genome Aggregation Database (gnomAD). The available evidence is insufficient to determine the role of this variant in disease conclusively. Therefore, this variant is classified as a Variant of Uncertain Significance.

Baylor Genetics
Classification: Uncertain significance for Endometrial carcinoma. Last evaluated: 2023-11-21. Review status: criteria provided, single submitter. Criteria: ACMG Guidelines, 2015. Collection method: clinical testing. Allele origin: unknown.

Women's Health and Genetics/Laboratory Corporation of America, LabCorp
Classification: Uncertain significance. Last evaluated: 2022-08-05. Review status: criteria provided, single submitter. Criteria: LabCorp Variant Classification Summary - May 2015. Collection method: clinical testing. Allele origin: germline.

MGZ Medical Genetics Center
Classification: Uncertain significance for Lynch syndrome 5. Last evaluated: 2021-10-29. Review status: criteria provided, single submitter. Criteria: ACMG Guidelines, 2015. Collection method: clinical testing. Allele origin: germline. Affected: yes. Observed: 1 variant allele.
Comment: ACMG criteria applied: PM2_SUP, BP4

Mendelics
Classification: Uncertain significance for Lynch syndrome 5. Last evaluated: 2019-05-28. Review status: criteria provided, single submitter. Criteria: Mendelics Assertion Criteria 2017. Collection method: clinical testing. Allele origin: unknown.

Illumina Laboratory Services, Illumina
Classification: Uncertain significance for Lynch syndrome 5. Last evaluated: 2017-04-27. Review status: criteria provided, single submitter. Criteria: ICSL Variant Classification Criteria 13 December 2019. Collection method: clinical testing. Allele origin: germline.

Literature cited by the submitters: PubMed 35264596 (cited by All of Us Research Program, National Institutes of Health and Color Diagnostics, LLC DBA Color Health); PubMed 38060977 (cited by All of Us Research Program, National Institutes of Health and Color Diagnostics, LLC DBA Color Health).